The following is an entry in ClinVar:

NM_015274.3(MAN2B2):c.535G>A (p.Asp179Asn)

Gene: MAN2B2 (mannosidase alpha class 2B member 2; plus strand). Cytogenetic location: 4p16.1.
Variant type: single nucleotide variant.
Coding change: c.535G>A on transcript NM_015274.3 (MANE Select); coding-DNA position 535, G replaced by A.
Protein change: p.Asp179Asn; replaces aspartic acid 179 with asparagine.
Molecular consequence: missense variant.
Genome position (GRCh38, 1-based): chr4:6,587,139, G>A. VCF-style: chr4-6587139-G-A. GRCh37 (hg19) VCF-style: chr4-6588866-G-A.
Other names: c.535G>A, p.Asp179Asn (NM_001292038.2); short protein forms D179N.
Identifiers: ClinVar variation 4102812 (VCV004102812.2).

ClinVar aggregate classification (germline): Conflicting classifications of pathogenicity. Review status: criteria provided, conflicting classifications (1 of 4 stars). 2 submissions from 2 submitters: Uncertain significance (1); Likely benign (1). Last evaluated 2026-02-11.

gnomAD v4.1: 729 of 1,613,554 alleles (0.045%); highest among the groups gnomAD compares: African/African-American, 0.79%; 1 homozygote.

Submissions (2):

Women's Health and Genetics/Laboratory Corporation of America, LabCorp
Classification: Likely benign. Last evaluated: 2026-02-11. Review status: criteria provided, single submitter. Criteria: LabCorp Variant Classification Summary - May 2015. Collection method: clinical testing. Allele origin: germline.
Comment: Variant summary: MAN2B2 c.535G>A (p.Asp179Asn) results in a conservative amino acid change in the encoded protein sequence. Algorithms developed to predict the effect of missense changes on protein structure and function are either unavailable or do not agree on the potential impact of this missense change. The variant allele was found at a frequency of 0.00074 in 250296 control chromosomes, predominantly at a frequency of 0.008 within the African or African-American subpopulation in the gnomAD database. The observed variant frequency within African or African-American control individuals in the gnomAD database exceeds the estimated maximal expected allele frequency for disease-causing variants in MAN2B2. To our knowledge, no occurrence of c.535G>A in individuals affected with MAN2B2-related conditions and no experimental evidence demonstrating its impact on protein function have been reported. ClinVar contains an entry for this variant (Variation ID: 4102812). Based on the evidence outlined above, the variant was classified as likely benign.

Ambry Genetics
Classification: Uncertain significance. Last evaluated: 2025-08-20. Review status: criteria provided, single submitter. Criteria: Ambry Variant Classification Scheme 2023. Collection method: clinical testing. Allele origin: germline.